The following is an entry in ClinVar:

NM_001379500.1(COL18A1):c.107-12284T>G

Gene: COL18A1 (collagen type XVIII alpha 1 chain; plus strand). Cytogenetic location: 21q22.3.
Variant type: single nucleotide variant.
Coding change: c.107-12284T>G on transcript NM_001379500.1 (MANE Select); 12284 bases into the intron before coding-DNA position 107, T replaced by G.
Molecular consequence: intron variant. On other transcripts: missense variant (2).
Genome position (GRCh38, 1-based): chr21:45,455,958, T>G. VCF-style: chr21-45455958-T-G. GRCh37 (hg19) VCF-style: chr21-46875872-T-G.
Other names: c.428T>G, p.Leu143Arg (NM_030582.4, NM_130444.3); short protein forms L143R.
Identifiers: ClinVar variation 1479932 (VCV001479932.6), dbSNP rs1420083020, ClinGen allele CA410506062.

ClinVar aggregate classification (germline): Uncertain significance (1 of 4 stars; one submission).

Allele frequency attached by ClinVar (database versions not stated): gnomAD exomes below 0.00001.

Submission:

Labcorp Genetics (formerly Invitae), Labcorp
Classification: Uncertain significance. Last evaluated: 2022-07-05. Review status: criteria provided, single submitter. Criteria: Invitae Variant Classification Sherloc (09022015). Collection method: clinical testing. Allele origin: germline.
Comment: In summary, the available evidence is currently insufficient to determine the role of this variant in disease. Therefore, it has been classified as a Variant of Uncertain Significance. Experimental studies and prediction algorithms are not available or were not evaluated, and the functional significance of this variant is currently unknown. ClinVar contains an entry for this variant (Variation ID: 1479932). This variant has not been reported in the literature in individuals affected with COL18A1-related conditions. This variant is present in population databases (no rsID available, gnomAD 0.003%). This sequence change replaces leucine, which is neutral and non-polar, with arginine, which is basic and polar, at codon 143 of the COL18A1 protein (p.Leu143Arg). The COL18A1 gene has multiple clinically relevant transcripts. This variant occurs in alternate transcript NM_030582.4, and corresponds to NM_130445.3:c.107-12284T>G in the primary transcript.